The following is an entry in ClinVar:

ClinVar aggregate classification (germline): Uncertain significance (1 of 4 stars; one submission).

Allele frequency attached by ClinVar (database versions not stated): gnomAD exomes below 0.00001; TOPMed 0.00001; ExAC 0.00002.
gnomAD v4.1: 7 of 1,614,086 alleles (0.00043%); highest among the groups gnomAD compares: South Asian, 0.0022%; 1 homozygote.

Submission:

Ambry Genetics
Classification: Uncertain significance. Last evaluated: 2024-06-14. Review status: criteria provided, single submitter. Criteria: Ambry Variant Classification Scheme 2023. Collection method: clinical testing. Allele origin: germline.
Comment: The p.R857H variant (also known as c.2570G>A), located in coding exon 24 of the KIF1B gene, results from a G to A substitution at nucleotide position 2570. The arginine at codon 857 is replaced by histidine, an amino acid with highly similar properties. This amino acid position is conserved. In addition, this alteration is predicted to be tolerated by in silico analysis. Since supporting evidence is limited at this time, the clinical significance of this alteration remains unclear.

NM_001365951.3(KIF1B):c.2708G>A (p.Arg903His)

Genes: KIF1B (kinesin family member 1B; plus strand), LOC126805614 (BRD4-independent group 4 enhancer GRCh37_chr1:10385546-10386745; plus strand). Cytogenetic location: 1p36.22.
Variant type: single nucleotide variant.
Coding change: c.2708G>A on transcript NM_001365951.3 (MANE Select); coding-DNA position 2708, G replaced by A.
Protein change: p.Arg903His; replaces arginine 903 with histidine.
Molecular consequence: missense variant.
Genome position (GRCh38, 1-based): chr1:10,326,143, G>A. VCF-style: chr1-10326143-G-A. GRCh37 (hg19) VCF-style: chr1-10386201-G-A.
Other names: c.2708G>A, p.Arg903His (NM_001365952.1); c.2570G>A, p.Arg857His (NM_015074.3); short protein forms R857H, R903H.
Identifiers: ClinVar variation 1793239 (VCV001793239.3), dbSNP rs778403355, ClinGen allele CA581594.
Genomic context (GRCh38, chr1:10,326,143, plus strand): 5'-GTTAATTGGCGTCTTACCTGGTGTCTAGCTCCCCCATTTTCCACGGCTGTGTGAACGAGC[G>A]CCTTGCCGACCGCACACCCTCCCCCACTTTTTCCACGGCCGATTCCGACATCACTGAGCT-3'
Protein context (NP_001352880.1, residues 893-913): SPIFHGCVNE[Arg903His]LADRTPSPTF